The following is an entry in ClinVar:

ClinVar aggregate classification (germline): Conflicting classifications of pathogenicity. Review status: criteria provided, conflicting classifications (1 of 4 stars). 5 submissions from 5 submitters: Uncertain significance (4); Likely benign (1). Last evaluated 2025-11-30.

Conditions:
Inborn genetic diseases. Identifiers: MedGen C0950123, MeSH D030342.
DEAF1-related disorder.

Allele frequency attached by ClinVar (database versions not stated): ExAC 0.00002; gnomAD exomes 0.00003; gnomAD 0.00011; TOPMed 0.00011; ESP Exome Variant Server 0.00015.
gnomAD v4.1: 35 of 1,614,086 alleles (0.0022%); highest among the groups gnomAD compares: African/African-American, 0.04%; no homozygotes.

Submissions (5):

Labcorp Genetics (formerly Invitae), Labcorp
Classification: Uncertain significance. Last evaluated: 2025-11-30. Review status: criteria provided, single submitter. Criteria: Invitae Variant Classification Sherloc (09022015). Collection method: clinical testing. Allele origin: germline.
Comment: This sequence change replaces lysine, which is basic and polar, with arginine, which is basic and polar, at codon 320 of the DEAF1 protein (p.Lys320Arg). This variant is present in population databases (rs148536538, gnomAD 0.03%). This variant has not been reported in the literature in individuals affected with DEAF1-related conditions. ClinVar contains an entry for this variant (Variation ID: 804736). Invitae Evidence Modeling of protein sequence and biophysical properties (such as structural, functional, and spatial information, amino acid conservation, physicochemical variation, residue mobility, and thermodynamic stability) has been performed for this missense variant. However, the output from this modeling did not meet the statistical confidence thresholds required to predict the impact of this variant on DEAF1 protein function. In summary, the available evidence is currently insufficient to determine the role of this variant in disease. Therefore, it has been classified as a Variant of Uncertain Significance.

PreventionGenetics, part of Exact Sciences
Classification: Uncertain significance for DEAF1-related condition. Last evaluated: 2025-11-24. Review status: criteria provided, single submitter. Criteria: ACMG Guidelines, 2015. Collection method: clinical testing. Allele origin: germline.
Comment: The DEAF1 c.959A>G variant is predicted to result in the amino acid substitution p.Lys320Arg. To our knowledge, this variant has not been reported in the literature. This variant is reported in 0.032% of alleles in individuals of African descent in gnomAD. At this time, the clinical significance of this variant is uncertain due to the absence of conclusive functional and genetic evidence.

Revvity Omics, Revvity
Classification: Uncertain significance. Last evaluated: 2023-02-17. Review status: criteria provided, single submitter. Criteria: ACMG Guidelines, 2015. Collection method: clinical testing. Allele origin: germline.

Ambry Genetics
Classification: Likely benign for Inborn genetic diseases. Last evaluated: 2022-12-27. Review status: criteria provided, single submitter. Criteria: Ambry Variant Classification Scheme 2023. Collection method: clinical testing. Allele origin: germline.

Athena Diagnostics
Classification: Uncertain significance. Last evaluated: 2019-06-04. Review status: criteria provided, single submitter. Criteria: Athena Diagnostics Criteria. Collection method: clinical testing. Allele origin: germline.

NM_021008.4(DEAF1):c.959A>G (p.Lys320Arg)

Gene: DEAF1 (DEAF1 transcription factor; minus strand). Cytogenetic location: 11p15.5.
Variant type: single nucleotide variant.
Coding change: c.959A>G on transcript NM_021008.4 (MANE Select); coding-DNA position 959, A replaced by G.
Protein change: p.Lys320Arg; replaces lysine 320 with arginine.
Molecular consequence: missense variant. On other transcripts: intron variant (1).
Genome position (GRCh38, 1-based): chr11:681,001, T>C on the plus strand (A>G on the coding strand, the complement: DEAF1 is on the minus strand). VCF-style: chr11-681001-T-C. GRCh37 (hg19) VCF-style: chr11-681001-T-C.
Other names: c.233A>G, p.Lys78Arg (NM_001367390.1, NM_001440885.1, NM_001440886.1 and 1 more transcripts); c.959A>G, p.Lys320Arg (NM_001440883.1, NM_001440884.1); c.731-1185A>G (NM_001293634.2); short protein forms K320R, K78R.
Identifiers: ClinVar variation 804736 (VCV000804736.12), dbSNP rs148536538, ClinGen allele CA5786386.